The following is an entry in ClinVar:

ClinVar aggregate classification (germline): Uncertain significance (1 of 4 stars; one submission).

Conditions:
Inborn genetic diseases. Identifiers: MedGen C0950123, MeSH D030342.

Submission:

Ambry Genetics
Classification: Uncertain significance for Inborn genetic diseases. Last evaluated: 2023-11-06. Review status: criteria provided, single submitter. Criteria: Ambry Variant Classification Scheme 2023. Collection method: clinical testing. Allele origin: germline.
Comment: The p.S703N variant (also known as c.2108G>A), located in coding exon 12 of the BMPR2 gene, results from a G to A substitution at nucleotide position 2108. The serine at codon 703 is replaced by asparagine, an amino acid with highly similar properties. This amino acid position is conserved. In addition, the in silico prediction for this alteration is inconclusive. Since supporting evidence is limited at this time, the clinical significance of this alteration remains unclear.

NM_001204.7(BMPR2):c.2108G>A (p.Ser703Asn)

Gene: BMPR2 (bone morphogenetic protein receptor type 2; plus strand). Cytogenetic location: 2q33.2.
Variant type: single nucleotide variant.
Coding change: c.2108G>A on transcript NM_001204.7 (MANE Select); coding-DNA position 2108, G replaced by A.
Protein change: p.Ser703Asn; replaces serine 703 with asparagine.
Molecular consequence: missense variant.
Genome position (GRCh38, 1-based): chr2:202,555,773, G>A. VCF-style: chr2-202555773-G-A. GRCh37 (hg19) VCF-style: chr2-203420496-G-A.
Other names: short protein forms S703N.
Identifiers: ClinVar variation 3221318 (VCV003221318.1), dbSNP rs1688557460, ClinGen allele CA350347455.